The following is an entry in ClinVar:

NM_021813.4(BACH2):c.1534C>G (p.Pro512Ala)

Gene: BACH2 (BACH transcriptional regulator 2; minus strand). Cytogenetic location: 6q15.
Variant type: single nucleotide variant.
Coding change: c.1534C>G on transcript NM_021813.4 (MANE Select); coding-DNA position 1534, C replaced by G.
Protein change: p.Pro512Ala; replaces proline 512 with alanine.
Molecular consequence: missense variant.
Genome position (GRCh38, 1-based): chr6:89,950,572, G>C on the plus strand (C>G on the coding strand, the complement: BACH2 is on the minus strand). VCF-style: chr6-89950572-G-C. GRCh37 (hg19) VCF-style: chr6-90660291-G-C.
Other names: c.1534C>G (NM_021813.2, NM_021813.3); c.1534C>G, p.Pro512Ala (NM_001170794.2); short protein forms P512A.
Identifiers: ClinVar variation 1369397 (VCV001369397.10), dbSNP rs759035058, ClinGen allele CA3927969.

ClinVar aggregate classification (germline): Uncertain significance. Review status: criteria provided, multiple submitters, no conflicts (2 of 4 stars). 3 submissions from 3 submitters: Uncertain significance (3). Last evaluated 2025-06-07.

Conditions:
BACH2-related disorder. Also called: BACH2-related condition.

Allele frequency attached by ClinVar (database versions not stated): TOPMed 0.00002.
gnomAD v4.1: 20 of 1,611,506 alleles (0.0012%); highest among the groups gnomAD compares: Admixed American, 0.005%; no homozygotes.

Submissions (3):

Ambry Genetics
Classification: Uncertain significance. Last evaluated: 2025-06-07. Review status: criteria provided, single submitter. Criteria: Ambry Variant Classification Scheme 2023. Collection method: clinical testing. Allele origin: germline.

Labcorp Genetics (formerly Invitae), Labcorp
Classification: Uncertain significance. Last evaluated: 2025-05-07. Review status: criteria provided, single submitter. Criteria: Invitae Variant Classification Sherloc (09022015). Collection method: clinical testing. Allele origin: germline.
Comment: This sequence change replaces proline, which is neutral and non-polar, with alanine, which is neutral and non-polar, at codon 512 of the BACH2 protein (p.Pro512Ala). This variant is present in population databases (rs759035058, gnomAD 0.009%). This variant has not been reported in the literature in individuals affected with BACH2-related conditions. ClinVar contains an entry for this variant (Variation ID: 1369397). Invitae Evidence Modeling of protein sequence and biophysical properties (such as structural, functional, and spatial information, amino acid conservation, physicochemical variation, residue mobility, and thermodynamic stability) indicates that this missense variant is not expected to disrupt BACH2 protein function with a negative predictive value of 80%. In summary, the available evidence is currently insufficient to determine the role of this variant in disease. Therefore, it has been classified as a Variant of Uncertain Significance.

PreventionGenetics, part of Exact Sciences
Classification: Uncertain significance for BACH2-related condition. Last evaluated: 2024-12-23. Review status: criteria provided, single submitter. Criteria: ACMG Guidelines, 2015. Collection method: clinical testing. Allele origin: germline.
Comment: The BACH2 c.1534C>G variant is predicted to result in the amino acid substitution p.Pro512Ala. To our knowledge, this variant has not been reported in the literature. This variant is reported in 0.0087% of alleles in individuals of Latino descent in gnomAD. At this time, the clinical significance of this variant is uncertain due to the absence of conclusive functional and genetic evidence.